The following is an entry in ClinVar:

ClinVar aggregate classification (germline): Uncertain significance (1 of 4 stars; one submission).

Submission:

Labcorp Genetics (formerly Invitae), Labcorp
Classification: Uncertain significance. Last evaluated: 2025-10-06. Review status: criteria provided, single submitter. Criteria: Invitae Variant Classification Sherloc (09022015). Collection method: clinical testing. Allele origin: germline.
Comment: This sequence change creates a premature translational stop signal (p.Val2524Aspfs*44) in the IGSF10 gene. While this is not anticipated to result in nonsense mediated decay, it is expected to disrupt the last 100 amino acid(s) of the IGSF10 protein. This variant is present in population databases (rs746719746, gnomAD 0.002%). This variant has not been reported in the literature in individuals affected with IGSF10-related conditions. ClinVar contains an entry for this variant (Variation ID: 1441895). Experimental studies and prediction algorithms are not available or were not evaluated, and the functional significance of this variant is currently unknown. In summary, the available evidence is currently insufficient to determine the role of this variant in disease. Therefore, it has been classified as a Variant of Uncertain Significance.

NM_178822.5(IGSF10):c.7567_7570dup (p.Val2524fs)

Gene: IGSF10 (immunoglobulin superfamily member 10; minus strand). Cytogenetic location: 3q25.1.
Variant type: Duplication.
Coding change: c.7567_7570dup on transcript NM_178822.5 (MANE Select); coding-DNA positions 7567 to 7570, 4 bases duplicated (ATTG; older notation c.7567_7570dupATTG).
Protein change: p.Val2524fs; shifts the reading frame from valine 2524.
Molecular consequence: frameshift variant.
Genome position (GRCh38, 1-based): chr3:151,436,991-151,436,994, CAAT duplicated on the plus strand (ATTG on the coding strand, the reverse complement: IGSF10 is on the minus strand); duplicating any 4 consecutive bases within chr3:151,436,991-151,436,996 gives the same sequence; the c. name uses the placement nearest the transcript's 3' end. VCF-style (leftmost placement, unchanged base first): chr3-151436990-A-ACAAT. GRCh37 (hg19) VCF-style: chr3-151154778-A-ACAAT.
Other names: c.1504_1507dup, p.Val503fs (NM_001178145.3, NM_001178146.3); c.7567_7570dup, p.Val2524fs (NM_001385060.1, NM_001385061.1, NM_001385062.1 and 1 more transcripts); short protein forms V503fs, V2524fs.
Identifiers: ClinVar variation 1441895 (VCV001441895.6), dbSNP rs746719746, ClinGen allele CA2669227.
Genomic context (GRCh38, chr3:151,436,990, plus strand): 5'-GCCCCTGTCCTGGTGACAATACTCCTGGGTGGACGATTTGTAATTCGGGGAGGGTAGGCT[A>ACAAT]CAATCATTACTGGAACAGTAATCAGTGTATGACCAACACTATTTTGAGCCTTACAGATAT-3'